The following is an entry in ClinVar:

ClinVar aggregate classification (germline): Uncertain significance (1 of 4 stars; one submission).

Conditions:
Nephronophthisis. Also called: Juvenile Nephronophthisis. Identifiers: Orphanet 655, MedGen C0687120, MONDO:0019005, HP:0000090.
Jeune thoracic dystrophy. Also called: Jeune syndrome; Infantile thoracic dystrophy; Thoracic pelvic phalangeal dystrophy; Jeune's syndrome; Chondroectodermal dysplasia-like syndrome; Short-rib thoracic dysplasia. Identifiers: Orphanet 474, MedGen C0265275, MONDO:0018770.

Allele frequency attached by ClinVar (database versions not stated): gnomAD exomes below 0.00001; TOPMed below 0.00001.
gnomAD v4.1: 1 of 1,614,120 alleles (0.000062%); highest among the groups gnomAD compares: African/African-American, 0.0013%; no homozygotes.

Submission:

Labcorp Genetics (formerly Invitae), Labcorp
Classification: Uncertain significance for Jeune thoracic dystrophy; Nephronophthisis. Last evaluated: 2021-10-28. Review status: criteria provided, single submitter. Criteria: Invitae Variant Classification Sherloc (09022015). Collection method: clinical testing. Allele origin: germline.
Comment: In summary, the available evidence is currently insufficient to determine the role of this variant in disease. Therefore, it has been classified as a Variant of Uncertain Significance. Algorithms developed to predict the effect of missense changes on protein structure and function (SIFT, PolyPhen-2, Align-GVGD) all suggest that this variant is likely to be disruptive. This variant has not been reported in the literature in individuals affected with TTC21B-related conditions. This variant is not present in population databases (gnomAD no frequency). This sequence change replaces glutamic acid, which is acidic and polar, with valine, which is neutral and non-polar, at codon 646 of the TTC21B protein (p.Glu646Val).

NM_024753.5(TTC21B):c.1937A>T (p.Glu646Val)

Gene: TTC21B (tetratricopeptide repeat domain 21B; minus strand). Cytogenetic location: 2q24.3.
Variant type: single nucleotide variant.
Coding change: c.1937A>T on transcript NM_024753.5 (MANE Select); coding-DNA position 1937, A replaced by T.
Protein change: p.Glu646Val; replaces glutamic acid 646 with valine.
Molecular consequence: missense variant.
Genome position (GRCh38, 1-based): chr2:165,915,402, T>A on the plus strand (A>T on the coding strand, the complement: TTC21B is on the minus strand). VCF-style: chr2-165915402-T-A. GRCh37 (hg19) VCF-style: chr2-166771912-T-A.
Other names: short protein forms E646V.
Identifiers: ClinVar variation 1447704 (VCV001447704.6), dbSNP rs1376184705, ClinGen allele CA349058990.